The following is an entry in ClinVar:

NM_003200.5(TCF3):c.881C>T (p.Ser294Phe)

Gene: TCF3 (transcription factor 3; minus strand). Cytogenetic location: 19p13.3.
Variant type: single nucleotide variant.
Coding change: c.881C>T on transcript NM_003200.5 (MANE Select); coding-DNA position 881, C replaced by T.
Protein change: p.Ser294Phe; replaces serine 294 with phenylalanine.
Molecular consequence: missense variant.
Genome position (GRCh38, 1-based): chr19:1,621,912, G>A on the plus strand (C>T on the coding strand, the complement: TCF3 is on the minus strand). VCF-style: chr19-1621912-G-A. GRCh37 (hg19) VCF-style: chr19-1621911-G-A.
Other names: c.881C>T, p.Ser294Phe (NM_001136139.4, NM_001351778.2, NM_001351779.2); short protein forms S294F.
Identifiers: ClinVar variation 1981096 (VCV001981096.5), dbSNP rs779038552, ClinGen allele CA9050188.

ClinVar aggregate classification (germline): Uncertain significance. Review status: criteria provided, multiple submitters, no conflicts (2 of 4 stars). 2 submissions from 2 submitters: Uncertain significance (2). Last evaluated 2024-09-13.

Allele frequency attached by ClinVar (database versions not stated): gnomAD 0.00001; gnomAD exomes 0.00001; ExAC 0.00002.
gnomAD v4.1: 11 of 1,601,800 alleles (0.00069%); highest among the groups gnomAD compares: Middle Eastern, 0.017%; no homozygotes.

Submissions (2):

Blueprint Genetics
Classification: Uncertain significance. Last evaluated: 2024-09-13. Review status: criteria provided, single submitter. Criteria: ACMG Guidelines, 2015. Collection method: clinical testing. Allele origin: germline.

Labcorp Genetics (formerly Invitae), Labcorp
Classification: Uncertain significance. Last evaluated: 2023-10-27. Review status: criteria provided, single submitter. Criteria: Invitae Variant Classification Sherloc (09022015). Collection method: clinical testing. Allele origin: germline.
Comment: This sequence change replaces serine, which is neutral and polar, with phenylalanine, which is neutral and non-polar, at codon 294 of the TCF3 protein (p.Ser294Phe). The frequency data for this variant in the population databases is considered unreliable, as metrics indicate poor data quality at this position in the gnomAD database. This variant has not been reported in the literature in individuals affected with TCF3-related conditions. ClinVar contains an entry for this variant (Variation ID: 1981096). Advanced modeling of protein sequence and biophysical properties (such as structural, functional, and spatial information, amino acid conservation, physicochemical variation, residue mobility, and thermodynamic stability) performed at Invitae indicates that this missense variant is not expected to disrupt TCF3 protein function with a negative predictive value of 80%. In summary, the available evidence is currently insufficient to determine the role of this variant in disease. Therefore, it has been classified as a Variant of Uncertain Significance.